The following is an entry in ClinVar:

NM_004426.3(PHC1):c.1735C>G (p.Pro579Ala)

Gene: PHC1 (polyhomeotic homolog 1; plus strand). Cytogenetic location: 12p13.31.
Variant type: single nucleotide variant.
Coding change: c.1735C>G on transcript NM_004426.3 (MANE Select); coding-DNA position 1735, C replaced by G.
Protein change: p.Pro579Ala; replaces proline 579 with alanine.
Molecular consequence: missense variant. On other transcripts: non-coding transcript variant (1), intron variant (11).
Genome position (GRCh38, 1-based): chr12:8,933,192, C>G. VCF-style: chr12-8933192-C-G. GRCh37 (hg19) VCF-style: chr12-9085788-C-G.
Other names: c.1735C>G, p.Pro579Ala (NM_001413738.1); c.1729C>G, p.Pro577Ala (NM_001413739.1); c.1711C>G, p.Pro571Ala (NM_001413740.1); c.1624C>G, p.Pro542Ala (NM_001413741.1); c.1579C>G, p.Pro527Ala (NM_001413742.1, NM_001413743.1); c.1356+379C>G (NM_001413748.1, NM_001413749.1); c.1332+379C>G (NM_001413751.1, NM_001413752.1); c.1375-15C>G (NM_001413744.1); and 7 more; short protein forms P527A, P542A, P571A, P577A, P579A.
Identifiers: ClinVar variation 2642691 (VCV002642691.25), dbSNP rs201210657, ClinGen allele CA6437046.
Genomic context (GRCh38, chr12:8,933,192, plus strand): 5'-CCAGGTACAGTGCAGTCTGGTCAGGCCCATTTGGCCTCCTCGCCACCTTCATCCCAGGCT[C>G]CTGGTGCACTGCAGGAGTGCCCTCCCACATTGGCCCCTGGGATGACCCTTGCTCCTGTGC-3'
Protein context (NP_004417.2, residues 569-589): LASSPPSSQA[Pro579Ala]GALQECPPTL

ClinVar aggregate classification (germline): Likely benign. Review status: criteria provided, multiple submitters, no conflicts (2 of 4 stars). 2 submissions from 2 submitters: Likely benign (2). Last evaluated 2026-03-01.

Conditions:
PHC1-related disorder. Also called: PHC1-related condition.

Allele frequency attached by ClinVar (database versions not stated): 1000 Genomes Project 30x 0.00344; 1000 Genomes Project 0.00359; TOPMed 0.00553; gnomAD 0.00638.

Submissions (2):

CeGaT Center for Human Genetics Tuebingen
Classification: Likely benign. Last evaluated: 2026-03-01. Review status: criteria provided, single submitter. Criteria: CeGaT Center For Human Genetics Tuebingen Variant Classification Criteria Version 2. Collection method: clinical testing. Allele origin: germline. Affected: yes. Observed: 9 variant alleles.
Comment: PHC1: BP4, BS2

PreventionGenetics, part of Exact Sciences
Classification: Likely benign for PHC1-related condition. Last evaluated: 2025-03-25. Review status: criteria provided, single submitter. Criteria: ACMG Guidelines, 2015. Collection method: clinical testing. Allele origin: germline.
Comment: This variant is classified as likely benign based on ACMG/AMP sequence variant interpretation guidelines (Richards et al. 2015 PMID: 25741868, with internal and published modifications).